The following is an entry in ClinVar:

NM_018417.6(ADCY10):c.325C>T (p.Arg109Ter)

Genes: ADCY10 (adenylate cyclase 10; minus strand), DCAF6 (DDB1 and CUL4 associated factor 6; plus strand). Cytogenetic location: 1q24.2.
Variant type: single nucleotide variant.
Coding change: c.325C>T on transcript NM_018417.6 (MANE Select); coding-DNA position 325, C replaced by T.
Protein change: p.Arg109Ter; replaces arginine 109 with a stop codon.
Molecular consequence: nonsense. On other transcripts: intron variant (1).
Genome position (GRCh38, 1-based): chr1:167,901,773, G>A on the plus strand (C>T on the coding strand, the complement: ADCY10 is on the minus strand). VCF-style: chr1-167901773-G-A. GRCh37 (hg19) VCF-style: chr1-167871011-G-A.
Other names: c.49C>T, p.Arg17Ter (NM_001297772.2); c.-24+243C>T (NM_001167749.3); short protein forms R109*, R17*.
Identifiers: ClinVar variation 2070996 (VCV002070996.4), dbSNP rs768185604, ClinGen allele CA1228307.

ClinVar aggregate classification (germline): Pathogenic (1 of 4 stars; one submission).

Allele frequency attached by ClinVar (database versions not stated): gnomAD 0.00001; ExAC 0.00002.
gnomAD v4.1: 40 of 1,613,896 alleles (0.0025%); highest among the groups gnomAD compares: Admixed American, 0.0033%; no homozygotes.

Submission:

Labcorp Genetics (formerly Invitae), Labcorp
Classification: Pathogenic. Last evaluated: 2022-01-13. Review status: criteria provided, single submitter. Criteria: Invitae Variant Classification Sherloc (09022015). Collection method: clinical testing. Allele origin: germline.
Comment: This sequence change creates a premature translational stop signal (p.Arg109*) in the ADCY10 gene. It is expected to result in an absent or disrupted protein product. Loss-of-function variants in ADCY10 are known to be pathogenic (PMID: 31119281). This variant is present in population databases (rs768185604, gnomAD 0.006%). This variant has not been reported in the literature in individuals affected with ADCY10-related conditions. For these reasons, this variant has been classified as Pathogenic.

Literature cited by the submitters: PubMed 31119281.